The following is an entry in ClinVar:

NM_014679.5(CEP57):c.1267G>A (p.Ala423Thr)

Gene: CEP57 (centrosomal protein 57; plus strand). Cytogenetic location: 11q21.
Variant type: single nucleotide variant.
Coding change: c.1267G>A on transcript NM_014679.5 (MANE Select); coding-DNA position 1267, G replaced by A.
Protein change: p.Ala423Thr; replaces alanine 423 with threonine.
Molecular consequence: missense variant.
Genome position (GRCh38, 1-based): chr11:95,829,326, G>A. VCF-style: chr11-95829326-G-A. GRCh37 (hg19) VCF-style: chr11-95562490-G-A.
Other names: c.1240G>A, p.Ala414Thr (NM_001243776.2); c.1189G>A, p.Ala397Thr (NM_001243777.2); c.1186G>A, p.Ala396Thr (NM_001363604.2); c.1267G>A (NM_014679.4); short protein forms A397T, A396T, A414T, A423T.
Identifiers: ClinVar variation 2187619 (VCV002187619.5), dbSNP rs761802161, ClinGen allele CA382408995.

ClinVar aggregate classification (germline): Uncertain significance. Review status: criteria provided, multiple submitters, no conflicts (2 of 4 stars). 2 submissions from 2 submitters: Uncertain significance (2). Last evaluated 2025-01-13.

Conditions:
Mosaic variegated aneuploidy syndrome 2 (MVA2). Identifiers: Orphanet 1052, MedGen C3279843, MONDO:0013582, OMIM 614114.
Inborn genetic diseases. Identifiers: MedGen C0950123, MeSH D030342.

gnomAD v4.1: 7 of 1,613,074 alleles (0.00043%); highest among the groups gnomAD compares: Non-Finnish European, 0.00059%; no homozygotes.

Submissions (2):

Ambry Genetics
Classification: Uncertain significance for Inborn genetic diseases. Last evaluated: 2025-01-13. Review status: criteria provided, single submitter. Criteria: Ambry Variant Classification Scheme 2023. Collection method: clinical testing. Allele origin: germline.
Comment: The p.A423T variant (also known as c.1267G>A), located in coding exon 10 of the CEP57 gene, results from a G to A substitution at nucleotide position 1267. The alanine at codon 423 is replaced by threonine, an amino acid with similar properties. This amino acid position is conserved. In addition, this alteration is predicted to be tolerated by in silico analysis. Based on the available evidence, the clinical significance of this variant remains unclear.

Labcorp Genetics (formerly Invitae), Labcorp
Classification: Uncertain significance for Mosaic variegated aneuploidy syndrome 2. Last evaluated: 2022-03-04. Review status: criteria provided, single submitter. Criteria: Invitae Variant Classification Sherloc (09022015). Collection method: clinical testing. Allele origin: germline.
Comment: This sequence change replaces alanine, which is neutral and non-polar, with threonine, which is neutral and polar, at codon 423 of the CEP57 protein (p.Ala423Thr). This variant is not present in population databases (gnomAD no frequency). This variant has not been reported in the literature in individuals affected with CEP57-related conditions. Algorithms developed to predict the effect of missense changes on protein structure and function (SIFT, PolyPhen-2, Align-GVGD) all suggest that this variant is likely to be tolerated. In summary, the available evidence is currently insufficient to determine the role of this variant in disease. Therefore, it has been classified as a Variant of Uncertain Significance.